The following is an entry in ClinVar:

ClinVar aggregate classification (germline): Uncertain significance. Review status: criteria provided, multiple submitters, no conflicts (2 of 4 stars). 3 submissions from 3 submitters: Uncertain significance (3). Last evaluated 2025-11-10.

Conditions:
Inborn genetic diseases. Identifiers: MedGen C0950123, MeSH D030342.

Allele frequency attached by ClinVar (database versions not stated): TOPMed 0.00008; 1000 Genomes Project 30x 0.00016; 1000 Genomes Project 0.00020; gnomAD 0.00006.
gnomAD v4.1: 24 of 1,537,254 alleles (0.0016%); highest among the groups gnomAD compares: Middle Eastern, 0.033%; no homozygotes.

Submissions (3):

Labcorp Genetics (formerly Invitae), Labcorp
Classification: Uncertain significance. Last evaluated: 2025-11-10. Review status: criteria provided, single submitter. Criteria: Invitae Variant Classification Sherloc (09022015). Collection method: clinical testing. Allele origin: germline.
Comment: This sequence change replaces proline, which is neutral and non-polar, with arginine, which is basic and polar, at codon 1025 of the PIEZO2 protein (p.Pro1025Arg). This variant is present in population databases (rs536129455, gnomAD 0.007%). This variant has not been reported in the literature in individuals affected with PIEZO2-related conditions. ClinVar contains an entry for this variant (Variation ID: 2434829). Invitae Evidence Modeling of protein sequence and biophysical properties (such as structural, functional, and spatial information, amino acid conservation, physicochemical variation, residue mobility, and thermodynamic stability) indicates that this missense variant is not expected to disrupt PIEZO2 protein function with a negative predictive value of 95%. In summary, the available evidence is currently insufficient to determine the role of this variant in disease. Therefore, it has been classified as a Variant of Uncertain Significance.

Ambry Genetics
Classification: Uncertain significance for Inborn genetic diseases. Last evaluated: 2025-04-10. Review status: criteria provided, single submitter. Criteria: Ambry Variant Classification Scheme 2023. Collection method: clinical testing. Allele origin: germline.

Revvity Omics, Revvity
Classification: Uncertain significance. Last evaluated: 2021-03-23. Review status: criteria provided, single submitter. Criteria: ACMG Guidelines, 2015. Collection method: clinical testing. Allele origin: germline.

NM_001378183.1(PIEZO2):c.3149C>G (p.Pro1050Arg)

Gene: PIEZO2 (piezo type mechanosensitive ion channel component 2; minus strand). Cytogenetic location: 18p11.22.
Variant type: single nucleotide variant.
Coding change: c.3149C>G on transcript NM_001378183.1 (MANE Select); coding-DNA position 3149, C replaced by G.
Protein change: p.Pro1050Arg; replaces proline 1050 with arginine.
Molecular consequence: missense variant.
Genome position (GRCh38, 1-based): chr18:10,762,600, G>C on the plus strand (C>G on the coding strand, the complement: PIEZO2 is on the minus strand). VCF-style: chr18-10762600-G-C. GRCh37 (hg19) VCF-style: chr18-10762598-G-C.
Other names: c.3149C>G, p.Pro1050Arg (NM_001410871.1); c.3074C>G, p.Pro1025Arg (NM_022068.4); c.3074C>G (NM_022068.2); short protein forms P1025R, P1050R.
Identifiers: ClinVar variation 2434829 (VCV002434829.6), dbSNP rs536129455, ClinGen allele CA296032395.
Genomic context (GRCh38, chr18:10,762,600, plus strand): 5'-ACCCACTCTGTAGGATCGATAGGAGCGCTGTAGAGCAGAGACTTGTTCAACTCATTAAAG[G>C]GGATGTTTGTTTGATTTTCATTTGGCTAAAAAGAAGAGAAAATGGAGTAAAAAAAAATAG-3'
Protein context (NP_001365112.1, residues 1040-1060): SLPNENQTNI[Pro1050Arg]FNELNKSLLY